The following is an entry in ClinVar:

ClinVar aggregate classification (germline): Uncertain significance (1 of 4 stars; one submission).

Allele frequency attached by ClinVar (database versions not stated): gnomAD 0.00002; gnomAD exomes 0.00002 and 0.00005; TOPMed 0.00002; ESP Exome Variant Server 0.00008; ExAC 0.00011.
gnomAD v4.1: 41 of 1,613,964 alleles (0.0025%); highest among the groups gnomAD compares: African/African-American, 0.0027%; no homozygotes.

Submission:

Labcorp Genetics (formerly Invitae), Labcorp
Classification: Uncertain significance. Last evaluated: 2024-12-31. Review status: criteria provided, single submitter. Criteria: Invitae Variant Classification Sherloc (09022015). Collection method: clinical testing. Allele origin: germline.
Comment: This sequence change replaces arginine, which is basic and polar, with glutamine, which is neutral and polar, at codon 632 of the STAT4 protein (p.Arg632Gln). This variant is present in population databases (rs149089413, gnomAD 0.01%). This variant has not been reported in the literature in individuals affected with STAT4-related conditions. ClinVar contains an entry for this variant (Variation ID: 1521301). Invitae Evidence Modeling of protein sequence and biophysical properties (such as structural, functional, and spatial information, amino acid conservation, physicochemical variation, residue mobility, and thermodynamic stability) indicates that this missense variant is not expected to disrupt STAT4 protein function with a negative predictive value of 80%. In summary, the available evidence is currently insufficient to determine the role of this variant in disease. Therefore, it has been classified as a Variant of Uncertain Significance.

NM_003151.4(STAT4):c.1895G>A (p.Arg632Gln)

Gene: STAT4 (signal transducer and activator of transcription 4; minus strand). Cytogenetic location: 2q32.2.
Variant type: single nucleotide variant.
Coding change: c.1895G>A on transcript NM_003151.4 (MANE Select); coding-DNA position 1895, G replaced by A.
Protein change: p.Arg632Gln; replaces arginine 632 with glutamine.
Molecular consequence: missense variant.
Genome position (GRCh38, 1-based): chr2:191,033,107, C>T on the plus strand (G>A on the coding strand, the complement: STAT4 is on the minus strand). VCF-style: chr2-191033107-C-T. GRCh37 (hg19) VCF-style: chr2-191897833-C-T.
Other names: c.1895G>A, p.Arg632Gln (NM_001243835.2); short protein forms R632Q.
Identifiers: ClinVar variation 1521301 (VCV001521301.6), dbSNP rs149089413, ClinGen allele CA2030459.